The following is an entry in ClinVar:

NM_003060.4(SLC22A5):c.1188T>G (p.Tyr396Ter)

Gene: SLC22A5 (solute carrier family 22 member 5; plus strand). Cytogenetic location: 5q31.1.
Variant type: single nucleotide variant.
Coding change: c.1188T>G on transcript NM_003060.4 (MANE Select); coding-DNA position 1188, T replaced by G.
Protein change: p.Tyr396Ter; replaces tyrosine 396 with a stop codon.
Molecular consequence: nonsense.
Genome position (GRCh38, 1-based): chr5:132,390,825, T>G. VCF-style: chr5-132390825-T-G. GRCh37 (hg19) VCF-style: chr5-131726517-T-G.
Other names: c.1260T>G, p.Tyr420Ter (NM_001308122.2); short protein forms Y396*, Y420*.
Identifiers: ClinVar variation 375238 (VCV000375238.2), dbSNP rs1057519051, ClinGen allele CA16044014.
Genomic context (GRCh38, chr5:132,390,825, plus strand): 5'-CTTCCTTTCAGCGATGGTTGAAGTCCCAGCATATGTGTTGGCCTGGCTGCTGCTGCAATA[T>G]TTGCCCCGGCGCTATTCCATGGCCACTGCCCTCTTCCTGGGTGGCAGTGTCCTTCTCTTC-3'

ClinVar aggregate classification (germline): Pathogenic (0 of 4 stars; one submission).

Conditions:
Renal carnitine transport defect (CDSP). Also called: Primary carnitine deficiency; Systemic primary carnitine deficiency; Systemic primary carnitine deficiency disease; CARNITINE DEFICIENCY, SYSTEMIC, DUE TO DEFECT IN RENAL REABSORPTION OF CARNITINE; CARNITINE TRANSPORTER, PLASMA-MEMBRANE, DEFICIENCY OF; CARNITINE UPTAKE DEFECT. Identifiers: Orphanet 158, MedGen C0342788, MONDO:0008919, OMIM 212140.

Submission:

Heart Center, Academic Medical Center Amsterdam
Classification: Pathogenic for Renal carnitine transport defect. Last evaluated: 2016-11-01. Review status: no assertion criteria provided. Collection method: clinical testing. Allele origin: germline. Inheritance: Autosomal recessive inheritance. Affected: yes. Observed: 1 homozygote.
Comment: Biochemical testing confirmed primary carnitine deficiency (PCD)